The following is an entry in ClinVar:

ClinVar aggregate classification (germline): Uncertain significance (1 of 4 stars; one submission).

Submission:

GeneDx
Classification: Uncertain significance. Last evaluated: 2024-08-12. Review status: criteria provided, single submitter. Criteria: GeneDx Variant Classification Process June 2021. Collection method: clinical testing. Allele origin: germline. Affected: yes.
Comment: Not observed at significant frequency in large population cohorts (gnomAD); In silico analysis supports that this missense variant has a deleterious effect on protein structure/function; Has not been previously published as pathogenic or benign to our knowledge

NM_002087.4(GRN):c.1629C>G (p.Cys543Trp)

Gene: GRN (granulin precursor; plus strand). Cytogenetic location: 17q21.31.
Variant type: single nucleotide variant.
Coding change: c.1629C>G on transcript NM_002087.4 (MANE Select); coding-DNA position 1629, C replaced by G.
Protein change: p.Cys543Trp; replaces cysteine 543 with tryptophan.
Molecular consequence: missense variant.
Genome position (GRCh38, 1-based): chr17:44,352,556, C>G. VCF-style: chr17-44352556-C-G. GRCh37 (hg19) VCF-style: chr17-42429924-C-G.
Other names: short protein forms C543W.
Identifiers: ClinVar variation 3730926 (VCV003730926.1).